The following is an entry in ClinVar:

NM_018075.5(ANO10):c.1604del (p.Ala534_Leu535insTer)

Gene: ANO10 (anoctamin 10; minus strand). Cytogenetic location: 3p22.1.
Variant type: Deletion.
Coding change: c.1604del on transcript NM_018075.5 (MANE Select); coding-DNA position 1604, one base deleted (T; older notation c.1604delT).
Protein change: p.Ala534_Leu535insTer.
Molecular consequence: nonsense.
Genome position (GRCh38, 1-based): chr3:43,555,342, A deleted on the plus strand (T on the coding strand, the reverse complement: ANO10 is on the minus strand); the first of 2 consecutive A bases (chr3:43,555,342-43,555,343); deleting either gives the same sequence. VCF-style (leftmost placement, unchanged base first): chr3-43555341-TA-T. GRCh37 (hg19) VCF-style: chr3-43596833-TA-T.
Other names: c.1604del, p.Ala534_Leu535insTer (NM_001204831.3, NM_001346463.2, NM_001346464.2 and 3 more transcripts); c.1406del, p.Ala468_Leu469insTer (NM_001204832.3, NM_001346466.2, NM_001346469.2); c.1271del, p.Ala423_Leu424insTer (NM_001204833.3); c.1034del, p.Ala344_Leu345insTer (NM_001204834.3).
Identifiers: ClinVar variation 31060 (VCV000031060.3), dbSNP rs794726681, ClinGen allele CA129642.

ClinVar aggregate classification (germline): Pathogenic. Review status: criteria provided, multiple submitters, no conflicts (2 of 4 stars). 3 submissions from 3 submitters: Pathogenic (2). 1 of the submissions does not count toward it. Last evaluated 2025-03-25.

Conditions:
Autosomal recessive spinocerebellar ataxia 10. Identifiers: Orphanet 284289, MedGen C3150998, MONDO:0013392, OMIM 613728.

Submissions (3):

Myriad Genetics, Inc.
Classification: Pathogenic for Autosomal recessive spinocerebellar ataxia 10. Last evaluated: 2025-03-25. Review status: criteria provided, single submitter. Criteria: Myriad Autosomal Dominant, Autosomal Recessive and X-Linked Classification Criteria (2023). Collection method: clinical testing. Allele origin: unknown.
Comment: NM_018075.3(ANO10):c.1604delT(L535*) is a missense variant classified as pathogenic in the context of spinocerebellar ataxia, ANO10-related. L535* has been observed in a case with relevant disease (PMID: 21092923). Relevant functional assessments of this variant are not available in the literature. L535* has not been observed in referenced population frequency databases. In summary, NM_018075.3(ANO10):c.1604delT(L535*) is a missense variant in a gene where loss of function is a known mechanism of disease, is predicted to disrupt protein function, and has been observed more frequently in cases with the relevant disease than in healthy populations. Please note: this variant was assessed in the context of healthy population screening.

Fulgent Genetics
Classification: Pathogenic for Autosomal recessive spinocerebellar ataxia 10. Last evaluated: 2024-05-17. Review status: criteria provided, single submitter. Criteria: ACMG Guidelines, 2015. Collection method: clinical testing. Allele origin: germline.

OMIM
Classification: Pathogenic for SPINOCEREBELLAR ATAXIA, AUTOSOMAL RECESSIVE 10. Last evaluated: 2010-12-10. Review status: no assertion criteria provided. Collection method: literature only. Allele origin: germline. Not counted in ClinVar's aggregate classification.

Literature cited by the submitters: PubMed 21092923 (cited by Myriad Genetics, Inc. and OMIM).